The following is an entry in ClinVar:

NM_007294.4(BRCA1):c.2174del (p.Ser725fs)

Gene: BRCA1 (BRCA1 DNA repair associated; minus strand). Cytogenetic location: 17q21.31.
Variant type: Deletion.
Coding change: c.2174del on transcript NM_007294.4 (MANE Select); coding-DNA position 2174, one base deleted (G; older notation c.2174delG).
Protein change: p.Ser725fs; shifts the reading frame from serine 725.
Molecular consequence: frameshift variant. On other transcripts: intron variant (137).
Genome position (GRCh38, 1-based): chr17:43,093,357, C deleted on the plus strand (G on the coding strand, the reverse complement: BRCA1 is on the minus strand). VCF-style (leftmost placement, unchanged base first): chr17-43093356-GC-G. GRCh37 (hg19) VCF-style: chr17-41245373-GC-G.
Other names: c.1961del, p.Ser654fs (NM_001407571.1, NM_001407853.1, NM_001407894.1 and 9 more transcripts); c.2174del, p.Ser725fs (NM_001407581.1, NM_001407582.1, NM_001407583.1 and 30 more transcripts); c.2171del, p.Ser724fs (NM_001407587.1, NM_001407590.1, NM_001407591.1 and 22 more transcripts); c.2165del, p.Ser722fs (NM_001407646.1, NM_001407647.1); c.2051del, p.Ser684fs (NM_001407648.1, NM_001407664.1, NM_001407665.1 and 19 more transcripts); c.2048del, p.Ser683fs (NM_001407649.1, NM_001407670.1, NM_001407671.1 and 11 more transcripts); c.2096del, p.Ser699fs (NM_001407653.1, NM_001407654.1, NM_001407655.1 and 4 more transcripts); c.2093del, p.Ser698fs (NM_001407659.1, NM_001407660.1, NM_001407661.1 and 1 more transcripts); and 41 more; short protein forms S678fs, S725fs, S557fs, S613fs, S657fs, S429fs, S598fs, S614fs.
Identifiers: ClinVar variation 54482 (VCV000054482.24), dbSNP rs397508944, ClinGen allele CA001451.

ClinVar aggregate classification (germline): Pathogenic. Review status: reviewed by expert panel (3 of 4 stars). 3 submissions from 3 submitters: Pathogenic (1). 2 of the submissions do not count toward it. Last evaluated 2017-12-15.

Conditions:
Breast-ovarian cancer, familial, susceptibility to, 1 (BROVCA1). Also called: OVARIAN CANCER, SUSCEPTIBILITY TO; BRCA1 Hereditary Breast and Ovarian Cancer. Identifiers: Orphanet 145, MedGen C2676676, MONDO:0011450, OMIM 604370. Disease mechanism: loss of function.
Familial cancer of breast. Also called: Hereditary breast cancer; hereditary breast carcinoma; BREAST CANCER, FAMILIAL. Identifiers: Orphanet 227535, MedGen C0346153, MONDO:0016419, OMIM 114480. Disease mechanism: loss of function.

Submissions (3):

Evidence-based Network for the Interpretation of Germline Mutant Alleles (ENIGMA)
Classification: Pathogenic for Breast-ovarian cancer, familial, susceptibility to, 1. Last evaluated: 2017-12-15. Review status: reviewed by expert panel. Criteria: ENIGMA BRCA1/2 Classification Criteria (2017-06-29). Collection method: curation. Allele origin: germline. Study: ENIGMA.
Comment: Variant allele predicted to encode a truncated non-functional protein.

BRCAlab, Lund University
Classification: Pathogenic for Breast-ovarian cancer, familial, susceptibility to, 1. Last evaluated: 2022-08-26. Review status: no assertion criteria provided. Collection method: clinical testing. Allele origin: germline. Affected: yes. Not counted in ClinVar's aggregate classification.

ClinVar Staff, National Center for Biotechnology Information (NCBI)
No classification provided. Condition: Familial cancer of breast. Review status: no classification provided. Collection method: literature only. Allele origin: germline. Affected: yes. Not counted in ClinVar's aggregate classification.

Literature cited by the submitters: PubMed 7837387 (cited by ClinVar Staff, National Center for Biotechnology Information (NCBI)).